The following is an entry in ClinVar:

ClinVar aggregate classification (germline): Uncertain significance (1 of 4 stars; one submission).

Conditions:
Developmental and epileptic encephalopathy, 69. Also called: EPILEPTIC ENCEPHALOPATHY, EARLY INFANTILE, 69. Identifiers: MedGen C4748988, MONDO:0032657, OMIM 618285.

Allele frequency attached by ClinVar (database versions not stated): gnomAD 0.00001; TOPMed 0.00001.
gnomAD v4.1: 1 of 152,146 alleles (0.00066%); highest among the groups gnomAD compares: African/African-American, 0.0024%; no homozygotes.

Submission:

New York Genome Center
Classification: Uncertain significance for Developmental and epileptic encephalopathy, 69. Last evaluated: 2021-02-26. Review status: criteria provided, single submitter. Criteria: NYGC Assertion Criteria 2020. Collection method: clinical testing. Allele origin: de novo. Observed: 1 heterozygote. Study: CSER-NYCKidSeq.
Comment: The de novo c.513-15449G>A variant identified in the CACNA1E gene is a deep intronic variant within intron 3/47. This variant is found with low frequency in gnomAD(v3.1) (1 heterozygote, 0 homozygotes; allele frequency: 6.57e-6) suggesting it is not a common benign variant in the populations represented in this database. SpliceAI does not predict that this variant alters splicing, however the Transcript Inferred Pathogenicity (TraP) Score for this variant is 0.209, which is >92.5%, suggesting it is possibly damaging to splicing. This variant is absent form ClinVar and to our current knowledge has not been reported in affected individuals in the literature. While it is de novo in the affected individual and found with low frequency in gnomAD, the lack of evidence on its functional consequence or evidence of effect on splicing, the deep intronic c.513-15449G>A variant identified in the CACNA1E gene is reported as a Variant of Uncertain Significance.

NM_001205293.3(CACNA1E):c.513-15449G>A

Gene: CACNA1E (calcium voltage-gated channel subunit alpha1 E; plus strand). Cytogenetic location: 1q25.3.
Variant type: single nucleotide variant.
Coding change: c.513-15449G>A on transcript NM_001205293.3 (MANE Select); 15449 bases into the intron before coding-DNA position 513, G replaced by A.
Molecular consequence: intron variant.
Genome position (GRCh38, 1-based): chr1:181,562,317, G>A. VCF-style: chr1-181562317-G-A. GRCh37 (hg19) VCF-style: chr1-181531453-G-A.
Other names: c.513-15449G>A (NM_000721.4, NM_001205294.2).
Identifiers: ClinVar variation 1342652 (VCV001342652.1), dbSNP rs1649408073, ClinGen allele CA1009784283.